The following is an entry in ClinVar:

NM_005677.4(COLQ):c.103G>A (p.Ala35Thr)

Gene: COLQ (collagen like tail subunit of asymmetric acetylcholinesterase; minus strand). Cytogenetic location: 3p25.1.
Variant type: single nucleotide variant.
Coding change: c.103G>A on transcript NM_005677.4 (MANE Select); coding-DNA position 103, G replaced by A.
Protein change: p.Ala35Thr; replaces alanine 35 with threonine.
Molecular consequence: missense variant.
Genome position (GRCh38, 1-based): chr3:15,521,523, C>T on the plus strand (G>A on the coding strand, the complement: COLQ is on the minus strand). VCF-style: chr3-15521523-C-T. GRCh37 (hg19) VCF-style: chr3-15563030-C-T.
Other names: c.103G>A, p.Ala35Thr (NM_080539.4); short protein forms A35T.
Identifiers: ClinVar variation 1473764 (VCV001473764.6), dbSNP rs2125197454, ClinGen allele CA351603453.

ClinVar aggregate classification (germline): Uncertain significance (1 of 4 stars; one submission).

Conditions:
Congenital myasthenic syndrome 5. Identifiers: Orphanet 590, MedGen C1864233, MONDO:0011281, OMIM 603034.

Allele frequency attached by ClinVar (database versions not stated): gnomAD exomes below 0.00001.
gnomAD v4.1: 2 of 1,614,142 alleles (0.00012%); highest among the groups gnomAD compares: Non-Finnish European, 0.00017%; no homozygotes.

Submission:

Labcorp Genetics (formerly Invitae), Labcorp
Classification: Uncertain significance for Congenital myasthenic syndrome 5. Last evaluated: 2021-10-07. Review status: criteria provided, single submitter. Criteria: Invitae Variant Classification Sherloc (09022015). Collection method: clinical testing. Allele origin: germline.
Comment: This sequence change replaces alanine with threonine at codon 35 of the COLQ protein (p.Ala35Thr). The alanine residue is moderately conserved and there is a small physicochemical difference between alanine and threonine. This variant is not present in population databases (ExAC no frequency). This variant has not been reported in the literature in individuals affected with COLQ-related conditions. Algorithms developed to predict the effect of missense changes on protein structure and function are either unavailable or do not agree on the potential impact of this missense change (SIFT: "Tolerated"; PolyPhen-2: "Possibly Damaging"; Align-GVGD: "Class C0"). In summary, the available evidence is currently insufficient to determine the role of this variant in disease. Therefore, it has been classified as a Variant of Uncertain Significance.